The following is an entry in ClinVar:

NM_000094.4(COL7A1):c.61G>A (p.Val21Met)

Gene: COL7A1 (collagen type VII alpha 1 chain; minus strand). Cytogenetic location: 3p21.31.
Variant type: single nucleotide variant.
Coding change: c.61G>A on transcript NM_000094.4 (MANE Select); coding-DNA position 61, G replaced by A.
Protein change: p.Val21Met; replaces valine 21 with methionine.
Molecular consequence: missense variant.
Genome position (GRCh38, 1-based): chr3:48,595,099, C>T on the plus strand (G>A on the coding strand, the complement: COL7A1 is on the minus strand). VCF-style: chr3-48595099-C-T. GRCh37 (hg19) VCF-style: chr3-48632532-C-T.
Other names: short protein forms V21M.
Identifiers: ClinVar variation 2180531 (VCV002180531.6), dbSNP rs377112899, ClinGen allele CA352750308.
Genomic context (GRCh38, chr3:48,595,099, plus strand): 5'-AGTGCCCCGGGCCGGGTCCTCCCTTGCGGTGCCCACCTCTCTCCCTGTGCTGGGCTCGCA[C>T]TCGGGGCGCCTCTGCCAGGATCCCGGCGCAGAGCGCGGCCACCAGAAGCCGCAGCGTCAT-3'
Protein context (NP_000085.1, residues 11-31): CAGILAEAPR[Val21Met]RAQHRERVTC

ClinVar aggregate classification (germline): Uncertain significance. Review status: criteria provided, multiple submitters, no conflicts (2 of 4 stars). 3 submissions from 3 submitters: Uncertain significance (3). Last evaluated 2025-09-06.

Conditions:
Inborn genetic diseases. Identifiers: MedGen C0950123, MeSH D030342.

gnomAD v4.1: 7 of 1,552,984 alleles (0.00045%); highest among the groups gnomAD compares: Non-Finnish European, 0.00061%; no homozygotes.

Submissions (3):

Labcorp Genetics (formerly Invitae), Labcorp
Classification: Uncertain significance. Last evaluated: 2025-09-06. Review status: criteria provided, single submitter. Criteria: Invitae Variant Classification Sherloc (09022015). Collection method: clinical testing. Allele origin: germline.
Comment: This sequence change replaces valine, which is neutral and non-polar, with methionine, which is neutral and non-polar, at codon 21 of the COL7A1 protein (p.Val21Met). This variant is present in population databases (no rsID available, gnomAD 0.003%). This variant has not been reported in the literature in individuals affected with COL7A1-related conditions. ClinVar contains an entry for this variant (Variation ID: 2180531). Invitae Evidence Modeling of protein sequence and biophysical properties (such as structural, functional, and spatial information, amino acid conservation, physicochemical variation, residue mobility, and thermodynamic stability) indicates that this missense variant is not expected to disrupt COL7A1 protein function with a negative predictive value of 95%. In summary, the available evidence is currently insufficient to determine the role of this variant in disease. Therefore, it has been classified as a Variant of Uncertain Significance.

Women's Health and Genetics/Laboratory Corporation of America, LabCorp
Classification: Uncertain significance. Last evaluated: 2025-04-14. Review status: criteria provided, single submitter. Criteria: LabCorp Variant Classification Summary - May 2015. Collection method: clinical testing. Allele origin: germline.

Ambry Genetics
Classification: Uncertain significance for Inborn genetic diseases. Last evaluated: 2025-03-10. Review status: criteria provided, single submitter. Criteria: Ambry Variant Classification Scheme 2023. Collection method: clinical testing. Allele origin: germline.